The following is an entry in ClinVar:

NM_001032283.3(TMPO):c.700A>T (p.Thr234Ser)

Gene: TMPO (thymopoietin; plus strand). Cytogenetic location: 12q23.1.
Variant type: single nucleotide variant.
Coding change: c.700A>T on transcript NM_001032283.3 (MANE Select); coding-DNA position 700, A replaced by T.
Protein change: p.Thr234Ser; replaces threonine 234 with serine.
Molecular consequence: missense variant. On other transcripts: intron variant (2).
Genome position (GRCh38, 1-based): chr12:98,544,266, A>T. VCF-style: chr12-98544266-A-T. GRCh37 (hg19) VCF-style: chr12-98938044-A-T.
Other names: c.664-176A>T (NM_001307975.2); c.664-2093A>T (NM_001032284.3); short protein forms T234S.
Identifiers: ClinVar variation 1706731 (VCV001706731.2), dbSNP rs1014749635, ClinGen allele CA386155063.

ClinVar aggregate classification (germline): Uncertain significance (1 of 4 stars; one submission).

Submission:

GeneDx
Classification: Uncertain significance. Last evaluated: 2022-03-24. Review status: criteria provided, single submitter. Criteria: GeneDx Variant Classification Process June 2021. Collection method: clinical testing. Allele origin: germline. Affected: yes.
Comment: Has not been previously published as pathogenic or benign to our knowledge; Not observed at significant frequency in large population cohorts (gnomAD); In silico analysis supports that this missense variant does not alter protein structure/function